The following is an entry in ClinVar:

ClinVar aggregate classification (germline): Likely benign (1 of 4 stars; one submission).

Allele frequency attached by ClinVar (database versions not stated): gnomAD exomes 0.00002; TOPMed 0.00002.

Submission:

CeGaT Center for Human Genetics Tuebingen
Classification: Likely benign. Last evaluated: 2022-11-01. Review status: criteria provided, single submitter. Criteria: CeGaT Center For Human Genetics Tuebingen Variant Classification Criteria Version 2. Collection method: clinical testing. Allele origin: germline. Affected: yes. Observed: 1 variant allele.
Comment: RGN: BP4, BP7

NM_152869.4(RGN):c.330C>T (p.Ala110=)

Gene: RGN (regucalcin; plus strand). Cytogenetic location: Xp11.3.
Variant type: single nucleotide variant.
Coding change: c.330C>T on transcript NM_152869.4 (MANE Select); coding-DNA position 330, C replaced by T.
Protein change: p.Ala110=; no amino-acid change (alanine 110 retained).
Molecular consequence: synonymous variant.
Genome position (GRCh38, 1-based): chrX:47,084,584, C>T. VCF-style: chrX-47084584-C-T. GRCh37 (hg19) VCF-style: chrX-46943983-C-T.
Other names: c.171C>T, p.Ala57= (NM_001282848.2); c.330C>T, p.Ala110= (NM_001282849.2, NM_004683.6).
Identifiers: ClinVar variation 2660394 (VCV002660394.24), dbSNP rs944312316, ClinGen allele CA329703263.